The following is an entry in ClinVar:

NM_000268.4(NF2):c.810+5G>A

Gene: NF2 (NF2, moesin-ezrin-radixin like (MERLIN) tumor suppressor; plus strand). Cytogenetic location: 22q12.2.
Variant type: single nucleotide variant.
Coding change: c.810+5G>A on transcript NM_000268.4 (MANE Select); 5 bases into the intron after coding-DNA position 810, G replaced by A.
Molecular consequence: intron variant.
Genome position (GRCh38, 1-based): chr22:29,661,344, G>A. VCF-style: chr22-29661344-G-A. GRCh37 (hg19) VCF-style: chr22-30057333-G-A.
Other names: c.810+5G>A (NM_016418.5, NM_181832.3, NM_001407060.1 and 2 more transcripts); c.696+5G>A (NM_001407056.1, NM_001407053.1); c.579+5G>A (NM_001407067.1); c.276+5G>A (NM_001407065.1); c.675+3080G>A (NM_001407059.1, NM_001407057.1); c.447+19059G>A (NM_181833.3); c.687+5G>A (NM_001407058.1, NM_181829.3, NM_001407054.1); c.552+3080G>A (NM_001407062.1); and 2 more.
Identifiers: ClinVar variation 3387399 (VCV003387399.1).

ClinVar aggregate classification (germline): Uncertain significance (1 of 4 stars; one submission).

Conditions:
Neurofibromatosis, type 2 (SWNV). Also called: NF2-Related Schwannomatosis; BILATERAL ACOUSTIC NEUROFIBROMATOSIS; SCHWANNOMATOSIS, VESTIBULAR. Identifiers: Orphanet 637, MedGen C0027832, MONDO:0007039, OMIM 101000. Disease mechanism: loss of function.

Submission:

All of Us Research Program, National Institutes of Health
Classification: Uncertain significance for Neurofibromatosis, type 2. Last evaluated: 2024-09-27. Review status: criteria provided, single submitter. Criteria: ACMG Guidelines, 2015. Collection method: clinical testing. Allele origin: germline. Inheritance: Autosomal dominant inheritance. Observed: 1 variant allele, 1 heterozygote.
Comment: This study involves interpretation of variants in research participants for the purpose of population health screening. Participant phenotype was not available at the time of variant classification. Additional details can be found in publication PMID: 35346344, PMCID: PMC8962531